The following is an entry in ClinVar:

NM_020041.3(SLC2A9):c.681+1G>T

Gene: SLC2A9 (solute carrier family 2 member 9; minus strand). Cytogenetic location: 4p16.1.
Variant type: single nucleotide variant.
Coding change: c.681+1G>T on transcript NM_020041.3 (MANE Select); the canonical splice donor site of the intron after coding-DNA position 681, G replaced by T.
Molecular consequence: splice donor variant.
Genome position (GRCh38, 1-based): chr4:9,980,591, C>A on the plus strand (G>T on the coding strand, the complement: SLC2A9 is on the minus strand). VCF-style: chr4-9980591-C-A. GRCh37 (hg19) VCF-style: chr4-9982215-C-A.
Other names: c.594+1G>T (NM_001001290.2).
Identifiers: ClinVar variation 2628597 (VCV002628597.2), dbSNP rs1265333590, ClinGen allele CA356362726.

ClinVar aggregate classification (germline): Likely pathogenic. Review status: criteria provided, multiple submitters, no conflicts (2 of 4 stars). 2 submissions from 2 submitters: Likely pathogenic (2). Last evaluated 2024-05-08.

Conditions:
SLC2A9-related disorder. Also called: SLC2A9-related condition.

Allele frequency attached by ClinVar (database versions not stated): gnomAD 0.00001; gnomAD exomes 0.00001; TOPMed 0.00001.
gnomAD v4.1: 5 of 1,614,022 alleles (0.00031%); highest among the groups gnomAD compares: Non-Finnish European, 0.00042%; no homozygotes.

Submissions (2):

Blueprint Genetics
Classification: Likely pathogenic for SLC2A9-related disorders. Last evaluated: 2024-05-08. Review status: criteria provided, single submitter. Criteria: ACMG Guidelines, 2015. Collection method: clinical testing. Allele origin: germline. Affected: yes. Observed: 2 variant alleles.

PreventionGenetics, part of Exact Sciences
Classification: Likely pathogenic for SLC2A9-related condition. Last evaluated: 2023-08-05. Review status: criteria provided, single submitter. Criteria: ACMG Guidelines, 2015. Collection method: clinical testing. Allele origin: germline.
Comment: The SLC2A9 c.681+1G>T variant is predicted to disrupt the GT donor site and interfere with normal splicing. To our knowledge, this variant has not been reported in the literature. This variant is reported in 0.00088% of alleles in individuals of European (Non-Finnish) descent in gnomAD. Variants that disrupt the consensus splice donor site in SLC2A9 are expected to be pathogenic. This variant is interpreted as likely pathogenic.